The following is an entry in ClinVar:

ClinVar aggregate classification (germline): Uncertain significance (1 of 4 stars; one submission).

Conditions:
COL6A2-related disorder.

gnomAD v4.1: 34 of 1,612,732 alleles (0.0021%); highest among the groups gnomAD compares: Admixed American, 0.0067%; no homozygotes.

Submission:

PreventionGenetics, part of Exact Sciences
Classification: Uncertain significance for COL6A2-related condition. Last evaluated: 2025-03-12. Review status: criteria provided, single submitter. Criteria: ACMG Guidelines, 2015. Collection method: clinical testing. Allele origin: germline.
Comment: The COL6A2 c.2474C>T variant is predicted to result in the amino acid substitution p.Ala825Val. This variant has been reported in the heterozygous state in an individual with suspected neuromuscular disease (Marinella et al. 2022. PubMed ID: 36498898). This variant is reported in 0.0071% of alleles in individuals of European (Non-Finnish) descent in gnomAD. At this time, the clinical significance of this variant is uncertain due to the absence of conclusive functional and genetic evidence.

NM_001849.4(COL6A2):c.2461+2374C>T

Gene: COL6A2 (collagen type VI alpha 2 chain; plus strand). Cytogenetic location: 21q22.3.
Variant type: single nucleotide variant.
Coding change: c.2461+2374C>T on transcript NM_001849.4 (MANE Select); 2374 bases into the intron after coding-DNA position 2461, C replaced by T.
Molecular consequence: intron variant. On other transcripts: missense variant (1).
Genome position (GRCh38, 1-based): chr21:46,128,915, C>T. VCF-style: chr21-46128915-C-T. GRCh37 (hg19) VCF-style: chr21-47548829-C-T.
Other names: c.2474C>T, p.Ala825Val (NM_058175.3); c.2462-281C>T (NM_058174.3); short protein forms A825V.
Identifiers: ClinVar variation 4978104 (VCV004978104.1).